The following is an entry in ClinVar:

ClinVar aggregate classification (germline): Benign. Review status: criteria provided, multiple submitters, no conflicts (2 of 4 stars). 8 submissions from 7 submitters: Benign (8). Last evaluated 2026-02-04.

Conditions:
Cardiovascular phenotype. Identifiers: MedGen CN230736.
Norum disease. Also called: Familial lecithin cholesterol acyltransferase deficiency. Identifiers: Orphanet 79293, MedGen C0023195, MONDO:0009515, OMIM 245900.
Fish-eye disease (FED). Also called: ALPHA-LCAT DEFICIENCY; DYSLIPOPROTEINEMIC CORNEAL DYSTROPHY; LCATA DEFICIENCY. Identifiers: Orphanet 650, Orphanet 79292, MedGen C0342895, MONDO:0007620, OMIM 136120.
LCAT deficiency. Also called: Lecithin Acyltransferase Deficiency. Identifiers: Orphanet 650, Orphanet 79293, MedGen C5779633, MONDO:0018999.

Allele frequency attached by ClinVar (database versions not stated): gnomAD exomes 0.04771 and 0.04839; ExAC 0.05133; 1000 Genomes Project 0.07648; 1000 Genomes Project 30x 0.07745; gnomAD 0.08016 and 0.08390; TOPMed 0.08450; ESP Exome Variant Server 0.08595.
gnomAD v4.1: 82,494 of 1,613,446 alleles (5.1%); highest among the groups gnomAD compares: African/African-American, 18%; 2,991 homozygotes.

Submissions (8):

Labcorp Genetics (formerly Invitae), Labcorp
Classification: Benign. Last evaluated: 2026-02-04. Review status: criteria provided, single submitter. Criteria: Invitae Variant Classification Sherloc (09022015). Collection method: clinical testing. Allele origin: germline.

Mayo Clinic Laboratories, Mayo Clinic
Classification: Benign. Last evaluated: 2023-04-25. Review status: criteria provided, single submitter. Criteria: ACMG Guidelines, 2015. Collection method: clinical testing. Allele origin: germline. Observed: 6 variant alleles.

Genome-Nilou Lab
Classification: Benign for Fish-eye disease. Last evaluated: 2021-08-19. Review status: criteria provided, single submitter. Criteria: ACMG Guidelines, 2015. Collection method: clinical testing. Allele origin: germline. Affected: no.

Genome-Nilou Lab
Classification: Benign for Norum disease. Last evaluated: 2021-08-19. Review status: criteria provided, single submitter. Criteria: ACMG Guidelines, 2015. Collection method: clinical testing. Allele origin: germline. Affected: no.

Ambry Genetics
Classification: Benign for Cardiovascular phenotype. Last evaluated: 2019-03-01. Review status: criteria provided, single submitter. Criteria: Ambry Variant Classification Scheme 2023. Collection method: clinical testing. Allele origin: germline.

GeneDx
Classification: Benign. Last evaluated: 2018-10-04. Review status: criteria provided, single submitter. Criteria: GeneDx Variant Classification Process June 2021. Collection method: clinical testing. Allele origin: germline. Affected: yes.

Illumina Laboratory Services, Illumina
Classification: Benign for Norum disease. Last evaluated: 2018-01-13. Review status: criteria provided, single submitter. Criteria: ICSL Variant Classification Criteria 13 December 2019. Collection method: clinical testing. Allele origin: germline.
Comment: This variant was observed in the ICSL laboratory as part of a predisposition screen in an ostensibly healthy population. It had not been previously curated by ICSL or reported in the Human Gene Mutation Database (HGMD: prior to June 1st, 2018), and was therefore a candidate for classification through an automated scoring system. Utilizing variant allele frequency, disease prevalence and penetrance estimates, and inheritance mode, an automated score was calculated to assess if this variant is too frequent to cause the disease. Based on the score and internal cut-off values, a variant classified as benign is not then subjected to further curation. The score for this variant resulted in a classification of benign for this disease.

Breakthrough Genomics
Classification: Benign. Review status: criteria provided, single submitter. Criteria: ACMG Guidelines, 2015. Collection method: not provided. Allele origin: germline. Inheritance: Autosomal recessive inheritance. Affected: yes.

NM_000229.2(LCAT):c.1177C>T (p.Leu393=)

Gene: LCAT (lecithin-cholesterol acyltransferase; minus strand). Cytogenetic location: 16q22.1.
Variant type: single nucleotide variant.
Coding change: c.1177C>T on transcript NM_000229.2 (MANE Select); coding-DNA position 1177, C replaced by T.
Protein change: p.Leu393=; no amino-acid change (leucine 393 retained).
Molecular consequence: synonymous variant.
Genome position (GRCh38, 1-based): chr16:67,940,050, G>A on the plus strand (C>T on the coding strand, the complement: LCAT is on the minus strand). VCF-style: chr16-67940050-G-A. GRCh37 (hg19) VCF-style: chr16-67973953-G-A.
Other names: p.Leu393=.
Identifiers: ClinVar variation 320196 (VCV000320196.19), dbSNP rs5923, ClinGen allele CA8120872.